The following is an entry in ClinVar:

ClinVar aggregate classification (germline): Uncertain significance (1 of 4 stars; one submission).

Conditions:
Ataxia-telangiectasia-like disorder (ATLD). Identifiers: MedGen C1858391, MONDO:0011457.

Submission:

Labcorp Genetics (formerly Invitae), Labcorp
Classification: Uncertain significance for Ataxia-telangiectasia-like disorder. Last evaluated: 2022-02-21. Review status: criteria provided, single submitter. Criteria: Invitae Variant Classification Sherloc (09022015). Collection method: clinical testing. Allele origin: germline.
Comment: This variant is a gross deletion of the genomic region encompassing exon(s) 20 of the MRE11 gene, which includes the termination codon. This deletion extends beyond the assayed region for this gene and therefore may encompass additional genes. While this deletion is not anticipated to lead to nonsense mediated decay, it is expected to alter mRNA translation or result in a truncated protein product. This variant has not been reported in the literature in individuals affected with MRE11-related conditions. In summary, the available evidence is currently insufficient to determine the role of this variant in disease. Therefore, it has been classified as a Variant of Uncertain Significance.

NC_000011.10:g.(?_94420125)_(94420191_?)del

Gene: MRE11 (MRE11 homolog, double strand break repair nuclease; minus strand). Cytogenetic location: 11q21.
Variant type: Deletion.
Identifiers: ClinVar variation 832757 (VCV000832757.6).